The following is an entry in ClinVar:

ClinVar aggregate classification (germline): Uncertain significance (1 of 4 stars; one submission).

Conditions:
Severe combined immunodeficiency due to LCK deficiency. Also called: Immunodeficiency 22. Identifiers: Orphanet 280142, MedGen C4014233, MONDO:0014334, OMIM 615758.

Allele frequency attached by ClinVar (database versions not stated): gnomAD exomes 0.00002; ExAC 0.00005.
gnomAD v4.1: 28 of 1,614,056 alleles (0.0017%); highest among the groups gnomAD compares: South Asian, 0.027%; no homozygotes.

Submission:

Labcorp Genetics (formerly Invitae), Labcorp
Classification: Uncertain significance for Severe combined immunodeficiency due to LCK deficiency. Last evaluated: 2022-10-04. Review status: criteria provided, single submitter. Criteria: Invitae Variant Classification Sherloc (09022015). Collection method: clinical testing. Allele origin: germline.
Comment: In summary, the available evidence is currently insufficient to determine the role of this variant in disease. Therefore, it has been classified as a Variant of Uncertain Significance. Algorithms developed to predict the effect of missense changes on protein structure and function (SIFT, PolyPhen-2, Align-GVGD) all suggest that this variant is likely to be tolerated. This variant has not been reported in the literature in individuals affected with LCK-related conditions. This variant is present in population databases (rs769883592, gnomAD 0.03%). This sequence change replaces proline, which is neutral and non-polar, with threonine, which is neutral and polar, at codon 126 of the LCK protein (p.Pro126Thr).

NM_005356.5(LCK):c.376C>A (p.Pro126Thr)

Gene: LCK (LCK proto-oncogene, Src family tyrosine kinase; plus strand). Cytogenetic location: 1p35.2.
Variant type: single nucleotide variant.
Coding change: c.376C>A on transcript NM_005356.5 (MANE Select); coding-DNA position 376, C replaced by A.
Protein change: p.Pro126Thr; replaces proline 126 with threonine.
Molecular consequence: missense variant.
Genome position (GRCh38, 1-based): chr1:32,275,418, C>A. VCF-style: chr1-32275418-C-A. GRCh37 (hg19) VCF-style: chr1-32741019-C-A.
Other names: c.376C>A, p.Pro126Thr (NM_001042771.3, NM_001330468.2); short protein forms P126T.
Identifiers: ClinVar variation 2070845 (VCV002070845.4), dbSNP rs769883592, ClinGen allele CA741080.